The following is an entry in ClinVar:

ClinVar aggregate classification (germline): Uncertain significance (1 of 4 stars; one submission).

Allele frequency attached by ClinVar (database versions not stated): TOPMed below 0.00001.

Submission:

GeneDx
Classification: Uncertain significance. Last evaluated: 2021-01-19. Review status: criteria provided, single submitter. Criteria: GeneDx Variant Classification Process June 2021. Collection method: clinical testing. Allele origin: germline. Affected: yes.
Comment: Not observed in large population cohorts (Lek et al., 2016); In silico analysis supports that this missense variant does not alter protein structure/function; Has not been previously published as pathogenic or benign to our knowledge

NM_001353345.2(SETD1B):c.4850C>T (p.Ala1617Val)

Gene: SETD1B (SET domain containing 1B, histone lysine methyltransferase; plus strand). Cytogenetic location: 12q24.31.
Variant type: single nucleotide variant.
Coding change: c.4850C>T on transcript NM_001353345.2 (MANE Select); coding-DNA position 4850, C replaced by T.
Protein change: p.Ala1617Val; replaces alanine 1617 with valine.
Molecular consequence: missense variant.
Genome position (GRCh38, 1-based): chr12:121,823,429, C>T. VCF-style: chr12-121823429-C-T. GRCh37 (hg19) VCF-style: chr12-122261335-C-T.
Other names: short protein forms A1617V.
Identifiers: ClinVar variation 1320880 (VCV001320880.2), dbSNP rs1388630735, ClinGen allele CA386999843.